The following is an entry in ClinVar:

ClinVar aggregate classification (germline): Likely benign. Review status: criteria provided, multiple submitters, no conflicts (2 of 4 stars). 2 submissions from 2 submitters: Likely benign (2). Last evaluated 2026-01-27.

Conditions:
Lethal multiple pterygium syndrome (LMPS). Identifiers: Orphanet 33108, MedGen C1854678, MONDO:0009668, OMIM 253290.

Allele frequency attached by ClinVar (database versions not stated): TOPMed 0.00004; gnomAD 0.00005 and 0.00006; ExAC 0.00006; gnomAD exomes 0.00007.

Submissions (2):

Labcorp Genetics (formerly Invitae), Labcorp
Classification: Likely benign for Lethal multiple pterygium syndrome. Last evaluated: 2026-01-27. Review status: criteria provided, single submitter. Criteria: Invitae Variant Classification Sherloc (09022015). Collection method: clinical testing. Allele origin: germline.

GeneDx
Classification: Likely benign. Last evaluated: 2016-04-07. Review status: criteria provided, single submitter. Criteria: GeneDx Variant Classification (06012015). Collection method: clinical testing. Allele origin: germline. Affected: yes.
Comment: This variant is considered likely benign or benign based on one or more of the following criteria: it is a conservative change, it occurs at a poorly conserved position in the protein, it is predicted to be benign by multiple in silico algorithms, and/or has population frequency not consistent with disease.

NM_000079.4(CHRNA1):c.1242+10G>A

Gene: CHRNA1 (cholinergic receptor nicotinic alpha 1 subunit; minus strand). Cytogenetic location: 2q31.1.
Variant type: single nucleotide variant.
Coding change: c.1242+10G>A on transcript NM_000079.4 (MANE Select); 10 bases into the intron after coding-DNA position 1242, G replaced by A.
Molecular consequence: intron variant.
Genome position (GRCh38, 1-based): chr2:174,748,570, C>T on the plus strand (G>A on the coding strand, the complement: CHRNA1 is on the minus strand). VCF-style: chr2-174748570-C-T. GRCh37 (hg19) VCF-style: chr2-175613298-C-T.
Other names: c.1317+10G>A (NM_001039523.3).
Identifiers: ClinVar variation 385244 (VCV000385244.8), dbSNP rs758078454, ClinGen allele CA1974337.
Genomic context (GRCh38, chr2:174,748,570, plus strand): 5'-ACTCACCACCTGTGCTCATACATTTGACCATTTAAACCCAGAGGCATGAATTTCAAGCCA[C>T]GAAGCTTACATTGTTAGACTCCTGGTCTGACTTCATGGTCTCTGCGATGTACTTGATGCC-3'